The following is an entry in ClinVar:

ClinVar aggregate classification (germline): Benign/Likely benign. Review status: criteria provided, multiple submitters, no conflicts (2 of 4 stars). 11 submissions from 11 submitters: Benign (2); Likely benign (6). 3 of the submissions do not count toward it. Last evaluated 2025-07-02.

Conditions:
PKD1-related disorder. Also called: PKD1-related condition.
Polycystic kidney disease, adult type (PKD1). Also called: POLYCYSTIC KIDNEY DISEASE 1 WITH OR WITHOUT POLYCYSTIC LIVER DISEASE; Polycystic Kidney Disease 1, Autosomal Dominant; Polycystic kidney disease 1; Polycystic kidney disease 1, severe; POLYCYSTIC KIDNEY DISEASE, ADULT, TYPE I; Polycystic Kidney, Autosomal Dominant. Identifiers: MedGen C3149841, MONDO:0008263, OMIM 173900.

Allele frequency attached by ClinVar (database versions not stated): gnomAD exomes 0.00021 and 0.00049; ExAC 0.00060; 1000 Genomes Project 30x 0.00109; 1000 Genomes Project 0.00140; gnomAD 0.00195 and 0.00209; ESP Exome Variant Server 0.00202; TOPMed 0.00209.
gnomAD v4.1: 617 of 1,609,380 alleles (0.038%); highest among the groups gnomAD compares: African/African-American, 0.7%; 1 homozygote.

Submissions (11):

Athena Diagnostics
Classification: Benign. Last evaluated: 2025-07-02. Review status: criteria provided, single submitter. Criteria: Athena Diagnostics Criteria. Collection method: clinical testing. Allele origin: unknown.
Comment: The frequency of this variant in the general population is higher than would generally be expected for pathogenic variants in this gene. This variant has been seen where an alternate explanation for disease was also identified.

Mayo Clinic Laboratories, Mayo Clinic
Classification: Benign. Last evaluated: 2025-05-28. Review status: criteria provided, single submitter. Criteria: ACMG Guidelines, 2015. Collection method: clinical testing. Allele origin: germline. Observed: 1 variant allele.
Comment: BS1, BP4_strong, BP5

Women's Health and Genetics/Laboratory Corporation of America, LabCorp
Classification: Likely benign. Last evaluated: 2025-05-02. Review status: criteria provided, single submitter. Criteria: LabCorp Variant Classification Summary - May 2015. Collection method: clinical testing. Allele origin: germline.
Comment: Variant summary: PKD1 c.12769G>A (p.Gly4257Arg) results in a non-conservative amino acid change in the encoded protein sequence. Four of five in-silico tools predict a benign effect of the variant on protein function. The variant allele was found at a frequency of 0.00049 in 234450 control chromosomes, predominantly at a frequency of 0.0064 within the African or African-American subpopulation in the gnomAD database. The observed variant frequency within African or African-American control individuals in the gnomAD database exceeds the estimated maximal expected allele frequency for a pathogenic variant in PKD1 causing PKD1-Biallelic Autosomal Recessive Polycystic Kidney Disease phenotype. To our knowledge, no occurrence of c.12769G>A in individuals affected with PKD1-Biallelic Autosomal Recessive Polycystic Kidney Disease and no experimental evidence demonstrating its impact on protein function have been reported. ClinVar contains an entry for this variant (Variation ID: 447964). Based on the evidence outlined above, the variant was classified as likely benign.

Blueprint Genetics
Classification: Likely benign. Last evaluated: 2024-11-21. Review status: criteria provided, single submitter. Criteria: ACMG Guidelines, 2015. Collection method: clinical testing. Allele origin: germline.

Fulgent Genetics
Classification: Likely benign for Polycystic kidney disease, adult type. Last evaluated: 2021-11-06. Review status: criteria provided, single submitter. Criteria: ACMG Guidelines, 2015. Collection method: clinical testing. Allele origin: unknown.

GeneDx
Classification: Likely benign. Last evaluated: 2020-08-18. Review status: criteria provided, single submitter. Criteria: GeneDx Variant Classification Process June 2021. Collection method: clinical testing. Allele origin: germline. Affected: yes.

ARUP Laboratories, Molecular Genetics and Genomics, ARUP Laboratories
Classification: Likely benign for Polycystic kidney disease, adult type. Last evaluated: 2019-03-01. Review status: criteria provided, single submitter. Criteria: ARUP Molecular Germline Variant Investigation Process. Collection method: clinical testing. Allele origin: germline.

Breakthrough Genomics
Classification: Likely benign. Review status: criteria provided, single submitter. Criteria: ACMG Guidelines, 2015. Collection method: not provided. Allele origin: germline. Inheritance: Autosomal dominant inheritance. Affected: yes.

PreventionGenetics, part of Exact Sciences
Classification: Benign for PKD1-related condition. Last evaluated: 2020-06-26. Review status: no assertion criteria provided. Collection method: clinical testing. Allele origin: germline. Not counted in ClinVar's aggregate classification.
Comment: This variant is classified as benign based on ACMG/AMP sequence variant interpretation guidelines (Richards et al. 2015 PMID: 25741868, with internal and published modifications).

Clinical Genetics DNA and cytogenetics Diagnostics Lab, Erasmus MC, Erasmus Medical Center
Classification: Likely benign. Review status: no assertion criteria provided. Collection method: clinical testing. Allele origin: germline. Affected: yes. Study: VKGL Data-share Consensus. Not counted in ClinVar's aggregate classification.

Joint Genome Diagnostic Labs from Nijmegen and Maastricht, Radboudumc and MUMC+
Classification: Benign. Review status: no assertion criteria provided. Collection method: clinical testing. Allele origin: germline. Affected: yes. Study: VKGL Data-share Consensus. Not counted in ClinVar's aggregate classification.

NM_001009944.3(PKD1):c.12769G>A (p.Gly4257Arg)

Gene: PKD1 (polycystin 1, transient receptor potential channel interacting; minus strand). Cytogenetic location: 16p13.3.
Variant type: single nucleotide variant.
Coding change: c.12769G>A on transcript NM_001009944.3 (MANE Select); coding-DNA position 12769, G replaced by A.
Protein change: p.Gly4257Arg; replaces glycine 4257 with arginine.
Molecular consequence: missense variant.
Genome position (GRCh38, 1-based): chr16:2,089,870, C>T on the plus strand (G>A on the coding strand, the complement: PKD1 is on the minus strand). VCF-style: chr16-2089870-C-T. GRCh37 (hg19) VCF-style: chr16-2139871-C-T.
Other names: p.Gly4257Arg; c.12766G>A, p.Gly4256Arg (NM_000296.4); short protein forms G4256R, G4257R.
Identifiers: ClinVar variation 447964 (VCV000447964.22), dbSNP rs369397443, ClinGen allele CA7828476.